The following is an entry in ClinVar:

ClinVar aggregate classification (germline): Uncertain significance. Review status: criteria provided, multiple submitters, no conflicts (2 of 4 stars). 2 submissions from 2 submitters: Uncertain significance (2). Last evaluated 2026-06-19.

Conditions:
Hereditary cancer-predisposing syndrome. Also called: Tumor predisposition; Hereditary neoplastic syndrome; Neoplastic Syndromes, Hereditary; Hereditary Cancer Syndrome. Identifiers: Orphanet 140162, MedGen C0027672, MeSH D009386, MONDO:0015356.

Submissions (2):

Ambry Genetics
Classification: Uncertain significance for Hereditary cancer-predisposing syndrome. Last evaluated: 2026-06-19. Review status: criteria provided, single submitter. Criteria: Ambry Variant Classification Scheme 2023. Collection method: clinical testing. Allele origin: germline.
Comment: The p.Q422K variant (also known as c.1264C>A), located in coding exon 9 of the CDH1 gene, results from a C to A substitution at nucleotide position 1264. The glutamine at codon 422 is replaced by lysine, an amino acid with similar properties. This amino acid position is conserved. In addition, this alteration is predicted to be tolerated by in silico analysis. Based on the available evidence, the clinical significance of this variant remains unclear.

Mendelics
Classification: Uncertain significance. Last evaluated: 2022-05-04. Review status: criteria provided, single submitter. Criteria: Mendelics Assertion Criteria 2019. Collection method: clinical testing. Allele origin: germline.

NM_004360.5(CDH1):c.1264C>A (p.Gln422Lys)

Gene: CDH1 (cadherin 1; plus strand). Cytogenetic location: 16q22.1.
Variant type: single nucleotide variant.
Coding change: c.1264C>A on transcript NM_004360.5 (MANE Select); coding-DNA position 1264, C replaced by A.
Protein change: p.Gln422Lys; replaces glutamine 422 with lysine.
Molecular consequence: missense variant. On other transcripts: 5 prime UTR variant (2), intron variant (1).
Genome position (GRCh38, 1-based): chr16:68,813,439, C>A. VCF-style: chr16-68813439-C-A. GRCh37 (hg19) VCF-style: chr16-68847342-C-A.
Other names: c.-352C>A (NM_001317185.2); c.-556C>A (NM_001317186.2); c.1137+1176C>A (NM_001317184.2); c.1264C>A (NM_004360.3); short protein forms Q422K.
Identifiers: ClinVar variation 1686547 (VCV001686547.3), dbSNP rs2152133566, ClinGen allele CA396461637.